The following is an entry in ClinVar:

ClinVar aggregate classification (germline): Benign/Likely benign. Review status: criteria provided, multiple submitters, no conflicts (2 of 4 stars). 4 submissions from 4 submitters: Benign (1); Likely benign (2). 1 of the submissions does not count toward it. Last evaluated 2025-12-22.

Conditions:
Hereditary cancer-predisposing syndrome. Also called: Neoplastic Syndromes, Hereditary; Tumor predisposition; Hereditary Cancer Syndrome; Hereditary neoplastic syndrome. Identifiers: Orphanet 140162, MedGen C0027672, MeSH D009386, MONDO:0015356.
HOXB13-related disorder. Also called: HOXB13-related condition; HOXB13-related disorders.
Prostate cancer, hereditary, 9 (HPC9). Identifiers: Orphanet 1331, MedGen C1970250, MONDO:0012597, OMIM 610997.

Allele frequency attached by ClinVar (database versions not stated): gnomAD 0.00001; TOPMed 0.00002; gnomAD exomes 0.00003 and 0.00008; ExAC 0.00007.
gnomAD v4.1: 20 of 1,612,608 alleles (0.0012%); highest among the groups gnomAD compares: Admixed American, 0.033%; no homozygotes.

Submissions (4):

Labcorp Genetics (formerly Invitae), Labcorp
Classification: Likely benign. Last evaluated: 2025-12-22. Review status: criteria provided, single submitter. Criteria: Invitae Variant Classification Sherloc (09022015). Collection method: clinical testing. Allele origin: germline.

Myriad Genetics, Inc.
Classification: Benign for Prostate cancer, hereditary, 9. Last evaluated: 2024-10-28. Review status: criteria provided, single submitter. Criteria: Myriad Autosomal Dominant, Autosomal Recessive and X-Linked Classification Criteria (2023). Collection method: clinical testing. Allele origin: unknown.
Comment: This variant is considered benign. This variant is a silent/synonymous amino acid change and it is not expected to impact splicing.

Ambry Genetics
Classification: Likely benign for Hereditary cancer-predisposing syndrome. Last evaluated: 2017-05-11. Review status: criteria provided, single submitter. Criteria: Ambry Variant Classification Scheme 2023. Collection method: clinical testing. Allele origin: germline.

PreventionGenetics, part of Exact Sciences
Classification: Likely benign for HOXB13-related condition. Last evaluated: 2021-02-14. Review status: no assertion criteria provided. Collection method: clinical testing. Allele origin: germline. Not counted in ClinVar's aggregate classification.
Comment: This variant is classified as likely benign based on ACMG/AMP sequence variant interpretation guidelines (Richards et al. 2015 PMID: 25741868, with internal and published modifications).

NM_006361.6(HOXB13):c.33A>T (p.Gly11=)

Gene: HOXB13 (homeobox B13; minus strand). Cytogenetic location: 17q21.32.
Variant type: single nucleotide variant.
Coding change: c.33A>T on transcript NM_006361.6 (MANE Select); coding-DNA position 33, A replaced by T.
Protein change: p.Gly11=; no amino-acid change (glycine 11 retained).
Molecular consequence: synonymous variant.
Genome position (GRCh38, 1-based): chr17:48,728,561, T>A on the plus strand (A>T on the coding strand, the complement: HOXB13 is on the minus strand). VCF-style: chr17-48728561-T-A. GRCh37 (hg19) VCF-style: chr17-46805923-T-A.
Identifiers: ClinVar variation 483494 (VCV000483494.17), dbSNP rs773581479, ClinGen allele CA8634075.